The following is an entry in ClinVar:

ClinVar aggregate classification (germline): Uncertain significance. Review status: criteria provided, multiple submitters, no conflicts (2 of 4 stars). 2 submissions from 2 submitters: Uncertain significance (2). Last evaluated 2025-06-09.

Conditions:
Hereditary cancer-predisposing syndrome. Also called: Hereditary neoplastic syndrome; Tumor predisposition; Neoplastic Syndromes, Hereditary; Hereditary Cancer Syndrome. Identifiers: Orphanet 140162, MedGen C0027672, MeSH D009386, MONDO:0015356.
Familial adenomatous polyposis 1 (FAP1). Also called: FAMILIAL ADENOMATOUS POLYPOSIS 1, ATTENUATED; POLYPOSIS, ADENOMATOUS INTESTINAL. Identifiers: MedGen C2713442, MONDO:0021056, OMIM 175100. Disease mechanism: loss of function.

Submissions (2):

Ambry Genetics
Classification: Uncertain significance for Hereditary cancer-predisposing syndrome. Last evaluated: 2025-06-09. Review status: criteria provided, single submitter. Criteria: Ambry Variant Classification Scheme 2023. Collection method: clinical testing. Allele origin: germline.
Comment: The p.E152Q variant (also known as c.454G>C), located in coding exon 4 of the APC gene, results from a G to C substitution at nucleotide position 454. The glutamic acid at codon 152 is replaced by glutamine, an amino acid with highly similar properties. This amino acid position is highly conserved in available vertebrate species. In addition, in silico predictors for this gene do not accurately predict pathogenicity. Missense alterations in APC are not a common cause of disease (Spier I et al. Genet Med. 2024 Feb;26(2):100992). Based on the available evidence, the clinical significance of this variant remains unclear.

Labcorp Genetics (formerly Invitae), Labcorp
Classification: Uncertain significance for Familial adenomatous polyposis 1. Last evaluated: 2020-11-24. Review status: criteria provided, single submitter. Criteria: Invitae Variant Classification Sherloc (09022015). Collection method: clinical testing. Allele origin: germline.
Comment: This sequence change replaces glutamic acid with glutamine at codon 152 of the APC protein (p.Glu152Gln). The glutamic acid residue is highly conserved and there is a small physicochemical difference between glutamic acid and glutamine. This variant is not present in population databases (ExAC no frequency). This variant has not been reported in the literature in individuals with APC-related conditions. Algorithms developed to predict the effect of missense changes on protein structure and function are either unavailable or do not agree on the potential impact of this missense change (SIFT: "Deleterious"; PolyPhen-2: "Probably Damaging"; Align-GVGD: "Class C0"). In summary, the available evidence is currently insufficient to determine the role of this variant in disease. Therefore, it has been classified as a Variant of Uncertain Significance.

NM_000038.6(APC):c.454G>C (p.Glu152Gln)

Gene: APC (APC regulator of Wnt signaling pathway; plus strand). Cytogenetic location: 5q22.2.
Variant type: single nucleotide variant.
Coding change: c.454G>C on transcript NM_000038.6 (MANE Select); coding-DNA position 454, G replaced by C.
Protein change: p.Glu152Gln; replaces glutamic acid 152 with glutamine.
Molecular consequence: missense variant. On other transcripts: 5 prime UTR variant (1).
Genome position (GRCh38, 1-based): chr5:112,775,660, G>C. VCF-style: chr5-112775660-G-C. GRCh37 (hg19) VCF-style: chr5-112111357-G-C.
Other names: c.484G>C, p.Glu162Gln (NM_001354897.2, NM_001354902.2, NM_001127511.3); c.379G>C, p.Glu127Gln (NM_001354898.2, NM_001354904.2); c.454G>C, p.Glu152Gln (NM_001354899.2, NM_001354903.2, NM_001127510.3 and 2 more transcripts); c.277G>C, p.Glu93Gln (NM_001354900.2, NM_001354901.2, NM_001354905.2); c.-582G>C (NM_001354906.2); short protein forms E162Q, E93Q, E127Q, E152Q.
Identifiers: ClinVar variation 1503112 (VCV001503112.11), dbSNP rs2149614862, ClinGen allele CA16022310.
Genomic context (GRCh38, chr5:112,775,660, plus strand): 5'-CGTACCTTTTTTTAAAAAAAAAAAAATAGGTCATTGCTTCTTGCTGATCTTGACAAAGAA[G>C]AAAAGGAAAAAGACTGGTATTACGCTCAACTTCAGAATCTCACTAAAAGAATAGATAGTC-3'
Protein context (NP_000029.2, residues 142-162): SLLLADLDKE[Glu152Gln]KEKDWYYAQL